The following is an entry in ClinVar:

NM_002890.3(RASA1):c.19G>A (p.Gly7Ser)

Gene: RASA1 (RAS p21 protein activator 1; plus strand). Cytogenetic location: 5q14.3.
Variant type: single nucleotide variant.
Coding change: c.19G>A on transcript NM_002890.3 (MANE Select); coding-DNA position 19, G replaced by A.
Protein change: p.Gly7Ser; replaces glycine 7 with serine.
Molecular consequence: missense variant.
Genome position (GRCh38, 1-based): chr5:87,268,470, G>A. VCF-style: chr5-87268470-G-A. GRCh37 (hg19) VCF-style: chr5-86564287-G-A.
Other names: short protein forms G7S.
Identifiers: ClinVar variation 1784159 (VCV001784159.2), dbSNP rs1250999130, ClinGen allele CA360416619.

ClinVar aggregate classification (germline): Uncertain significance (1 of 4 stars; one submission).

Conditions:
Cardiovascular phenotype. Identifiers: MedGen CN230736.

Submission:

Ambry Genetics
Classification: Uncertain significance for Cardiovascular phenotype. Last evaluated: 2022-08-10. Review status: criteria provided, single submitter. Criteria: Ambry Variant Classification Scheme 2023. Collection method: clinical testing. Allele origin: germline.
Comment: The p.G7S variant (also known as c.19G>A), located in coding exon 1 of the RASA1 gene, results from a G to A substitution at nucleotide position 19. The glycine at codon 7 is replaced by serine, an amino acid with similar properties. This amino acid position is conserved. In addition, this alteration is predicted to be tolerated by in silico analysis. Since supporting evidence is limited at this time, the clinical significance of this alteration remains unclear.